The following is an entry in ClinVar:

NM_001267550.2(TTN):c.80927del (p.Pro26976fs)

Genes: TTN (titin; minus strand), TTN-AS1 (TTN antisense RNA 1; plus strand). Cytogenetic location: 2q31.2.
Variant type: Deletion.
Coding change: c.80927del on transcript NM_001267550.2 (MANE Select); coding-DNA position 80927, one base deleted (C; older notation c.80927delC).
Protein change: p.Pro26976fs; shifts the reading frame from proline 26976.
Molecular consequence: frameshift variant.
Genome position (GRCh38, 1-based): chr2:178,565,205, G deleted on the plus strand (C on the coding strand, the reverse complement: TTN is on the minus strand); the first of 2 consecutive G bases (chr2:178,565,205-178,565,206); deleting either gives the same sequence. VCF-style (leftmost placement, unchanged base first): chr2-178565204-TG-T. GRCh37 (hg19) VCF-style: chr2-179429931-TG-T.
Other names: c.76004del, p.Pro25335fs (NM_001256850.1); c.53732del, p.Pro17911fs (NM_003319.4); c.73223del, p.Pro24408fs (NM_133378.4); c.54107del, p.Pro18036fs (NM_133432.3); c.54308del, p.Pro18103fs (NM_133437.4); short protein forms P24408fs, P25335fs, P26976fs, P17911fs, P18036fs, P18103fs.
Identifiers: ClinVar variation 1487530 (VCV001487530.8), dbSNP rs2154164277, ClinGen allele CA2573134163.

ClinVar aggregate classification (germline): Likely pathogenic (1 of 4 stars; one submission).

Conditions:
Dilated cardiomyopathy 1G (CMD1G). Identifiers: Orphanet 154, MedGen C1858763, MONDO:0011400, OMIM 604145.
Autosomal recessive limb-girdle muscular dystrophy type 2J (LGMDR10). Also called: Limb-girdle muscular dystrophy, type 2J; MUSCULAR DYSTROPHY, LIMB-GIRDLE, AUTOSOMAL RECESSIVE 10. Identifiers: Orphanet 140922, MedGen C1837342, MONDO:0012127, OMIM 608807.

Submission:

Labcorp Genetics (formerly Invitae), Labcorp
Classification: Likely pathogenic for Dilated cardiomyopathy 1G; Autosomal recessive limb-girdle muscular dystrophy type 2J. Last evaluated: 2025-08-01. Review status: criteria provided, single submitter. Criteria: Invitae Variant Classification Sherloc (09022015). Collection method: clinical testing. Allele origin: germline.
Comment: This sequence change creates a premature translational stop signal (p.Pro26976Glnfs*15) in the TTN gene. While this is not anticipated to result in nonsense mediated decay, it is expected to create a truncated TTN protein. This variant is not present in population databases (gnomAD no frequency). This variant has not been reported in the literature in individuals affected with TTN-related conditions. ClinVar contains an entry for this variant (Variation ID: 1487530). This variant is located in the A band of TTN (PMID: 25589632). Truncating variants in this region are significantly overrepresented in patients affected with dilated cardiomyopathy (PMID: 25589632). Truncating variants in this region have also been reported in individuals affected with autosomal recessive centronuclear myopathy (PMID: 23975875). In summary, the currently available evidence indicates that the variant is pathogenic, but additional data are needed to prove that conclusively. Therefore, this variant has been classified as Likely Pathogenic.

Literature cited by the submitters: PubMed 25589632; PubMed 23975875.